The following is an entry in ClinVar:

ClinVar aggregate classification (germline): Uncertain significance (1 of 4 stars; one submission).

Conditions:
Retinoblastoma (RB1). Also called: RETINOBLASTOMA, SOMATIC. Identifiers: Orphanet 790, MedGen C0035335, MeSH D012175, MONDO:0008380, OMIM 180200, HP:0009919. Disease mechanism: loss of function. Inheritance: Both sporadic and heritable forms are tested..

Submission:

Labcorp Genetics (formerly Invitae), Labcorp
Classification: Uncertain significance for Retinoblastoma. Last evaluated: 2024-05-08. Review status: criteria provided, single submitter. Criteria: Invitae Variant Classification Sherloc (09022015). Collection method: clinical testing. Allele origin: germline.
Comment: This variant occurs in a non-coding region of the RB1 gene. It does not change the encoded amino acid sequence of the RB1 protein. This variant is not present in population databases (gnomAD no frequency). This variant has not been reported in the literature in individuals affected with RB1-related conditions. Experimental studies and prediction algorithms are not available or were not evaluated, and the functional significance of this variant is currently unknown. In summary, the available evidence is currently insufficient to determine the role of this variant in disease. Therefore, it has been classified as a Variant of Uncertain Significance.

NC_000013.11:g.48303700C>T

Genes: RB1 (RB transcriptional corepressor 1; plus strand), RB1-DT (RB1 divergent transcript; minus strand). Cytogenetic location: 13q14.2.
Variant type: single nucleotide variant.
Molecular consequence: non-coding transcript variant (on NR_046414.2).
Genome position: GRCh38 VCF-style: chr13-48303700-C-T. GRCh37 (hg19) VCF-style: chr13-48877836-C-T.
Identifiers: ClinVar variation 3693970 (VCV003693970.2).